The following is an entry in ClinVar:

NM_001572.5(IRF7):c.839del (p.Ala280fs)

Gene: IRF7 (interferon regulatory factor 7; minus strand). Cytogenetic location: 11p15.5.
Variant type: Deletion.
Coding change: c.839del on transcript NM_001572.5 (MANE Select); coding-DNA position 839, one base deleted (C; older notation c.839delC).
Protein change: p.Ala280fs; shifts the reading frame from alanine 280.
Molecular consequence: frameshift variant.
Genome position (GRCh38, 1-based): chr11:613,793, G deleted on the plus strand (C on the coding strand, the reverse complement: IRF7 is on the minus strand). VCF-style (leftmost placement, unchanged base first): chr11-613792-CG-C. GRCh37 (hg19) VCF-style: chr11-613792-CG-C.
Other names: c.752del, p.Ala251fs (NM_004029.4); c.878del, p.Ala293fs (NM_004031.4); short protein forms A293fs, A251fs, A280fs.
Identifiers: ClinVar variation 1957234 (VCV001957234.4), dbSNP rs751448879, ClinGen allele CA5783724.
Genomic context (GRCh38, chr11:613,792, plus strand): 5'-GTGAGTGACGGGGGTGGGCGGGGACAGGCTGCCCCTTCCTGGGATGCACTCACCTTGCAC[CG>C]CGGTGCAGGCGCTTGGGGAGGGTGACAGGTACGGCTCTGCCTGGTGCGGGGACTCTGGGG-3'

ClinVar aggregate classification (germline): Uncertain significance (1 of 4 stars; one submission).

Conditions:
Immunodeficiency 39 (IMD39). Identifiers: Orphanet 574918, MedGen C4225358, MONDO:0014597, OMIM 616345.

Allele frequency attached by ClinVar (database versions not stated): TOPMed 0.00002; ExAC 0.00030; gnomAD 0.00003; gnomAD exomes 0.00004.

Submission:

Labcorp Genetics (formerly Invitae), Labcorp
Classification: Uncertain significance for Immunodeficiency 39. Last evaluated: 2025-10-01. Review status: criteria provided, single submitter. Criteria: Invitae Variant Classification Sherloc (09022015). Collection method: clinical testing. Allele origin: germline.
Comment: This sequence change creates a premature translational stop signal (p.Ala293Glyfs*12) in the IRF7 gene. It is expected to result in an absent or disrupted protein product. However, the current clinical and genetic evidence is not sufficient to establish whether loss-of-function variants in IRF7 cause disease. This variant is present in population databases (rs751448879, gnomAD 0.02%). This premature translational stop signal has been observed in individual(s) with respiratory viral infections (PMID: 35670811). This variant is also known as A280GfsX12. ClinVar contains an entry for this variant (Variation ID: 1957234). In summary, the available evidence is currently insufficient to determine the role of this variant in disease. Therefore, it has been classified as a Variant of Uncertain Significance.

Literature cited by the submitters: PubMed 35670811.